The following is an entry in ClinVar:

ClinVar aggregate classification (germline): Pathogenic/Likely pathogenic. Review status: criteria provided, multiple submitters, no conflicts (2 of 4 stars). 2 submissions from 2 submitters: Pathogenic (1); Likely pathogenic (1). Last evaluated 2022-10-12.

Conditions:
TCF12-related craniosynostosis. Also called: Craniosynostosis 3. Identifiers: Orphanet 35098, Orphanet 35099, Orphanet 672979, MedGen C3715051, MONDO:0014128, OMIM 615314.

Submissions (2):

Institute of Human Genetics, University of Leipzig Medical Center
Classification: Pathogenic for TCF12-related craniosynostosis. Last evaluated: 2022-10-12. Review status: criteria provided, single submitter. Criteria: ACMG Guidelines, 2015. Collection method: clinical testing. Allele origin: unknown. Inheritance: Autosomal dominant inheritance. Affected: yes.
Comment: Criteria applied: PVS1,PS4_SUP,PM2_SUP

GeneDx
Classification: Likely pathogenic. Last evaluated: 2017-11-13. Review status: criteria provided, single submitter. Criteria: GeneDx Variant Classification (06012015). Collection method: clinical testing. Allele origin: germline. Affected: yes.
Comment: This variant is predicted to cause loss of normal protein function either through protein truncation or nonsense-mediated mRNA decay. The S271X variant is not observed in large population cohorts (Lek et al., 2016). We interpret S271X as a likely pathogenic variant,

NM_207037.2(TCF12):c.812C>A (p.Ser271Ter)

Gene: TCF12 (transcription factor 12; plus strand). Cytogenetic location: 15q21.3.
Variant type: single nucleotide variant.
Coding change: c.812C>A on transcript NM_207037.2 (MANE Select); coding-DNA position 812, C replaced by A.
Protein change: p.Ser271Ter; replaces serine 271 with a stop codon.
Molecular consequence: nonsense. On other transcripts: intron variant (1).
Genome position (GRCh38, 1-based): chr15:57,232,417, C>A. VCF-style: chr15-57232417-C-A. GRCh37 (hg19) VCF-style: chr15-57524615-C-A.
Other names: c.302C>A, p.Ser101Ter (NM_001306219.3, NM_207040.2); c.812C>A, p.Ser271Ter (NM_001322151.2, NM_001322152.2, NM_001322157.3 and 7 more transcripts); c.155C>A, p.Ser52Ter (NM_001322154.2); c.638C>A, p.Ser213Ter (NM_001322156.2, NM_001322158.2); c.848C>A, p.Ser283Ter (NM_001322164.2); c.118-295C>A (NM_001306220.3); short protein forms S271*, S213*, S52*, S101*, S283*.
Identifiers: ClinVar variation 488842 (VCV000488842.4), dbSNP rs554037047, ClinGen allele CA392592413.